The following is an entry in ClinVar:

NM_001318734.2(KLC2):c.511G>A (p.Glu171Lys)

Genes: KLC2-AS1 (KLC2 antisense RNA 1; minus strand), KLC2 (kinesin light chain 2; plus strand). Cytogenetic location: 11q13.2.
Variant type: single nucleotide variant.
Coding change: c.511G>A on transcript NM_001318734.2 (MANE Select); coding-DNA position 511, G replaced by A.
Protein change: p.Glu171Lys; replaces glutamic acid 171 with lysine.
Molecular consequence: missense variant.
Genome position (GRCh38, 1-based): chr11:66,262,174, G>A. VCF-style: chr11-66262174-G-A. GRCh37 (hg19) VCF-style: chr11-66029645-G-A.
Other names: c.280G>A, p.Glu94Lys (NM_001134774.2); c.511G>A, p.Glu171Lys (NM_001134775.2, NM_001134776.2, NM_022822.3); c.280G>A (NM_001134774.1); short protein forms E171K, E94K.
Identifiers: ClinVar variation 2051166 (VCV002051166.10), dbSNP rs143312355, ClinGen allele CA6117106.

ClinVar aggregate classification (germline): Likely benign. Review status: criteria provided, multiple submitters, no conflicts (2 of 4 stars). 3 submissions from 3 submitters: Likely benign (2). 1 of the submissions does not count toward it. Last evaluated 2026-01-01.

Conditions:
KLC2-related disorder. Also called: KLC2-related condition.

Allele frequency attached by ClinVar (database versions not stated): 1000 Genomes Project 30x 0.00078; 1000 Genomes Project 0.00080; ExAC 0.00087; ESP Exome Variant Server 0.00092; gnomAD 0.00125; TOPMed 0.00142; gnomAD exomes 0.00146.

Submissions (3):

CeGaT Center for Human Genetics Tuebingen
Classification: Likely benign. Last evaluated: 2026-01-01. Review status: criteria provided, single submitter. Criteria: CeGaT Center For Human Genetics Tuebingen Variant Classification Criteria Version 2. Collection method: clinical testing. Allele origin: germline. Affected: yes. Observed: 1 variant allele.
Comment: KLC2: BS2

Labcorp Genetics (formerly Invitae), Labcorp
Classification: Likely benign. Last evaluated: 2025-11-01. Review status: criteria provided, single submitter. Criteria: Invitae Variant Classification Sherloc (09022015). Collection method: clinical testing. Allele origin: germline.

PreventionGenetics, part of Exact Sciences
Classification: Likely benign for KLC2-related condition. Last evaluated: 2023-12-18. Review status: no assertion criteria provided. Collection method: clinical testing. Allele origin: germline. Not counted in ClinVar's aggregate classification.
Comment: This variant is classified as likely benign based on ACMG/AMP sequence variant interpretation guidelines (Richards et al. 2015 PMID: 25741868, with internal and published modifications).